The following is an entry in ClinVar:

ClinVar aggregate classification (germline): Conflicting classifications of pathogenicity. Review status: criteria provided, conflicting classifications (1 of 4 stars). 4 submissions from 4 submitters: Uncertain significance (3); Likely benign (1). Last evaluated 2025-12-21.

Conditions:
Cardiovascular phenotype. Identifiers: MedGen CN230736.
Progressive familial heart block type IB (PFHB1B). Identifiers: Orphanet 871, MedGen C1970298, MONDO:0011474, OMIM 604559.
Erythrokeratodermia variabilis et progressiva 6. Identifiers: MedGen C5193144, MONDO:0032801, OMIM 618531.

Allele frequency attached by ClinVar (database versions not stated): TOPMed 0.00010; gnomAD 0.00014.

Submissions (4):

Labcorp Genetics (formerly Invitae), Labcorp
Classification: Uncertain significance for Progressive familial heart block type IB. Last evaluated: 2025-12-21. Review status: criteria provided, single submitter. Criteria: Invitae Variant Classification Sherloc (09022015). Collection method: clinical testing. Allele origin: germline.
Comment: This sequence change replaces arginine, which is basic and polar, with cysteine, which is neutral and slightly polar, at codon 252 of the TRPM4 protein (p.Arg252Cys). This variant is present in population databases (rs771728837, gnomAD 0.03%). This variant has not been reported in the literature in individuals affected with TRPM4-related conditions. ClinVar contains an entry for this variant (Variation ID: 1038721). An algorithm developed to predict the effect of missense changes on protein structure and function (PolyPhen-2) suggests that this variant is likely to be disruptive. In summary, the available evidence is currently insufficient to determine the role of this variant in disease. Therefore, it has been classified as a Variant of Uncertain Significance.

Ambry Genetics
Classification: Likely benign for Cardiovascular phenotype. Last evaluated: 2024-09-26. Review status: criteria provided, single submitter. Criteria: Ambry Variant Classification Scheme 2023. Collection method: clinical testing. Allele origin: germline.

GeneDx
Classification: Uncertain significance. Last evaluated: 2023-03-30. Review status: criteria provided, single submitter. Criteria: GeneDx Variant Classification Process June 2021. Collection method: clinical testing. Allele origin: germline. Affected: yes.
Comment: In silico analysis supports that this missense variant has a deleterious effect on protein structure/function; Has not been previously published as pathogenic or benign to our knowledge

Fulgent Genetics
Classification: Uncertain significance for Progressive familial heart block type IB; Erythrokeratodermia variabilis et progressiva 6. Last evaluated: 2021-08-23. Review status: criteria provided, single submitter. Criteria: ACMG Guidelines, 2015. Collection method: clinical testing. Allele origin: unknown.

NM_017636.4(TRPM4):c.754C>T (p.Arg252Cys)

Gene: TRPM4 (transient receptor potential cation channel subfamily M member 4; plus strand). Cytogenetic location: 19q13.33.
Variant type: single nucleotide variant.
Coding change: c.754C>T on transcript NM_017636.4 (MANE Select); coding-DNA position 754, C replaced by T.
Protein change: p.Arg252Cys; replaces arginine 252 with cysteine.
Molecular consequence: missense variant. On other transcripts: 5 prime UTR variant (2).
Genome position (GRCh38, 1-based): chr19:49,168,694, C>T. VCF-style: chr19-49168694-C-T. GRCh37 (hg19) VCF-style: chr19-49671951-C-T.
Other names: c.754C>T, p.Arg252Cys (NM_001195227.2); c.409C>T, p.Arg137Cys (NM_001321281.2); c.-800C>T (NM_001321282.2); c.232C>T, p.Arg78Cys (NM_001321283.2); c.-96C>T (NM_001321285.2); short protein forms R252C, R137C, R78C.
Identifiers: ClinVar variation 1038721 (VCV001038721.14), dbSNP rs771728837, ClinGen allele CA9568934.